The following is an entry in ClinVar:

ClinVar aggregate classification (germline): Pathogenic (1 of 4 stars; one submission).

Conditions:
Lynch syndrome 4 (LYNCH4). Also called: Hereditary non-polyposis colorectal cancer, type 4; Colorectal cancer, hereditary nonpolyposis, type 4. Identifiers: Orphanet 144, MedGen C1838333, MONDO:0013699, OMIM 614337. Disease mechanism: loss of function.

Submission:

Myriad Genetics, Inc.
Classification: Pathogenic for Lynch syndrome 4. Last evaluated: 2023-09-21. Review status: criteria provided, single submitter. Criteria: Myriad Autosomal Dominant, Autosomal Recessive and X-Linked Classification Criteria (2023). Collection method: clinical testing. Allele origin: unknown.
Comment: This variant is considered pathogenic. This variant creates a frameshift predicted to result in premature protein truncation.

NM_000535.7(PMS2):c.1867del (p.Ser623fs)

Gene: PMS2 (PMS1 homolog 2, mismatch repair system component; minus strand). Cytogenetic location: 7p22.1.
Variant type: Deletion.
Coding change: c.1867del on transcript NM_000535.7 (MANE Select); coding-DNA position 1867, one base deleted (A; older notation c.1867delA).
Protein change: p.Ser623fs; shifts the reading frame from serine 623.
Molecular consequence: frameshift variant. On other transcripts: non-coding transcript variant (1), intron variant (1).
Genome position (GRCh38, 1-based): chr7:5,986,898, T deleted on the plus strand (A on the coding strand, the reverse complement: PMS2 is on the minus strand). VCF-style (leftmost placement, unchanged base first): chr7-5986897-CT-C. GRCh37 (hg19) VCF-style: chr7-6026528-CT-C.
Other names: c.1462delA, p.Ser488Valfs (NM_001018040.1); c.1462del, p.Ser488fs (NM_001322003.2, NM_001322004.2, NM_001322005.2 and 16 more transcripts); c.1711del, p.Ser571fs (NM_001322006.2, NM_001406870.1); c.1549del, p.Ser517fs (NM_001322007.2, NM_001322008.2, NM_001406876.1 and 2 more transcripts); c.1306del, p.Ser436fs (NM_001322010.2, NM_001406906.1, NM_001406907.1); c.934del, p.Ser312fs (NM_001322011.2, NM_001322012.2); c.1294del, p.Ser432fs (NM_001322013.2, NM_001406909.1); c.1867del, p.Ser623fs (NM_001322014.2, NM_001406871.1, NM_001406872.1); and 14 more; short protein forms S312fs, S366fs, S432fs, S436fs, S452fs, S465fs, S468fs, S488fs.
Identifiers: ClinVar variation 2674254 (VCV002674254.1), dbSNP rs2535720768, ClinGen allele CA2695198413.